The following is an entry in ClinVar:

ClinVar aggregate classification (germline): Uncertain significance. Review status: criteria provided, multiple submitters, no conflicts (2 of 4 stars). 2 submissions from 2 submitters: Uncertain significance (2). Last evaluated 2024-03-13.

Submissions (2):

Clinical Genetics Laboratory, Skane University Hospital Lund
Classification: Uncertain significance. Last evaluated: 2024-03-13. Review status: criteria provided, single submitter. Criteria: ACMG Guidelines, 2015. Collection method: clinical testing. Allele origin: germline. Affected: yes.

Women's Health and Genetics/Laboratory Corporation of America, LabCorp
Classification: Uncertain significance. Last evaluated: 2024-01-02. Review status: criteria provided, single submitter. Criteria: LabCorp Variant Classification Summary - May 2015. Collection method: clinical testing. Allele origin: germline.
Comment: Variant summary: CFTR c.1696G>A (p.Ala566Thr) results in a non-conservative amino acid change located in the ABC transporter-like, ATP-binding domain (IPR003439) of the encoded protein sequence. Five of five in-silico tools predict a damaging effect of the variant on protein function. Consensus agreement among computational tools predict no significant impact on normal splicing. However, a publication reports experimental evidence from a minigene assay that this variant affects mRNA splicing, resulting in the in-frame exclusion of exon 13. The wild-type sample contains some level of transcript missing exon 13 (around 13%), whereas the mutant sample contained closer to 90% transcript missing exon 13 (Fernandez Alanis_2012). The variant was absent in 250370 control chromosomes (gnomAD). c.1696G>A has been reported in the literature in the compound heterozygous state in an asymptomatic carrier with a son affected with Cystic Fibrosis and a family history of CF (Pagin_2016). It has also been reported in the SickKids CFTR database in trans with F508del in an individual decribed as having extremely mild, but clinically confirmed CF. The following publications have been ascertained in the context of this evaluation (PMID: 22362925, 26900683). No submitters have cited clinical-significance assessments for this variant to ClinVar after 2014. Based on the evidence outlined above, the variant was classified as VUS - possibly pathogenic.

Literature cited by the submitters: PubMed 22362925 (cited by Women's Health and Genetics/Laboratory Corporation of America, LabCorp); PubMed 26900683 (cited by Women's Health and Genetics/Laboratory Corporation of America, LabCorp).

NM_000492.4(CFTR):c.1696G>A (p.Ala566Thr)

Gene: CFTR (CF transmembrane conductance regulator; plus strand). Cytogenetic location: 7q31.2.
Variant type: single nucleotide variant.
Coding change: c.1696G>A on transcript NM_000492.4 (MANE Select); coding-DNA position 1696, G replaced by A.
Protein change: p.Ala566Thr; replaces alanine 566 with threonine.
Molecular consequence: missense variant.
Genome position (GRCh38, 1-based): chr7:117,590,369, G>A. VCF-style: chr7-117590369-G-A. GRCh37 (hg19) VCF-style: chr7-117230423-G-A.
Other names: short protein forms A566T.
Identifiers: ClinVar variation 3063857 (VCV003063857.2), dbSNP rs397508271, ClinGen allele CA326613.
Genomic context (GRCh38, chr7:117,590,369, plus strand): 5'-GGAAATAGAGAGGAAATGTAATTTAATTTCCATTTTCTTTTTAGAGCAGTATACAAAGAT[G>A]CTGATTTGTATTTATTAGACTCTCCTTTTGGATACCTAGATGTTTTAACAGAAAAAGAAA-3'
Protein context (NP_000483.3, residues 556-576): ISLARAVYKD[Ala566Thr]DLYLLDSPFG